The following is an entry in ClinVar:

ClinVar aggregate classification (germline): Pathogenic/Likely pathogenic. Review status: criteria provided, multiple submitters, no conflicts (2 of 4 stars). 12 submissions from 12 submitters: Pathogenic (2); Likely pathogenic (8). 2 of the submissions do not count toward it. Last evaluated 2026-10-16.

Conditions:
MYL3-related disorder. Also called: MYL3-related condition.
Cardiovascular phenotype. Identifiers: MedGen CN230736.
Cardiomyopathy (CMYO). Also called: Cardiomyopathies. Identifiers: Orphanet 167848, MedGen C0878544, MONDO:0004994, HP:0001638. Inheritance: Various modes of inheritance.
Hypertrophic cardiomyopathy 8. Also called: CARDIOMYOPATHY, HYPERTROPHIC, MID-LEFT VENTRICULAR CHAMBER TYPE, 1; MYL3-Related Familial Hypertrophic Cardiomyopathy. Identifiers: MedGen C1837471, MONDO:0012111, OMIM 608751.
Primary familial hypertrophic cardiomyopathy (HCM). Identifiers: Orphanet 99739, MedGen C0949658, MeSH D024741, MONDO:0024573. Inheritance: Various modes of inheritance.
Hypertrophic cardiomyopathy. Also called: HYPERTROPHIC MYOCARDIOPATHY. Identifiers: Orphanet 217569, MedGen C0007194, MeSH D002312, MONDO:0005045, HP:0001639.

Allele frequency attached by ClinVar (database versions not stated): gnomAD exomes 0.00001.
gnomAD v4.1: 7 of 1,614,092 alleles (0.00043%); highest among the groups gnomAD compares: Admixed American, 0.0017%; no homozygotes.

Submissions (12):

GeneDx
Classification: Likely pathogenic. Last evaluated: 2026-10-16. Review status: criteria provided, single submitter. Criteria: GeneDx Variant Classification Process June 2021. Collection method: clinical testing. Allele origin: germline.
Comment: Not observed at significant frequency in large population cohorts (gnomAD); In silico analysis supports that this missense variant has a deleterious effect on protein structure/function; This variant is associated with the following publications: (PMID: 23283745, 27532257, 29398688, 34638741, 2938653, 18409188, 26443374, 36264615, 31554435, 39020067, 40231031, 37652022, 38291757, 39340495)

Ambry Genetics
Classification: Likely pathogenic for Cardiovascular phenotype. Last evaluated: 2026-02-27. Review status: criteria provided, single submitter. Criteria: Ambry Variant Classification Scheme 2023. Collection method: clinical testing. Allele origin: germline.
Comment: The c.281G>A (p.R94H) alteration is located in exon 3 (coding exon 3) of the MYL3 gene. This alteration results from a G to A substitution at nucleotide position 281, causing the arginine (R) at amino acid position 94 to be replaced by a histidine (H). Based on data from gnomAD, this allele has an overall frequency of 0.001% (2/251298) total alleles studied. The highest observed frequency was 0.003% (1/34582) of Latino alleles. This variant has been detected in several unrelated individuals with hypertrophic cardiomyopathy (HCM) and segregated with HCM in two families in which it appeared to arise from a common ancestor (Fokstuen, 2008; Nomura, 2016; Walsh, 2017; Ambry internal data). This variant has also been seen in individuals with HCM who had variants in other cardiomyopathy-related genes (Zou, 2013; Lopes, 2019). This amino acid position is not well conserved in available vertebrate species. The in silico prediction for this alteration is inconclusive. Based on the available evidence, this alteration is classified as likely pathogenic.

PreventionGenetics, part of Exact Sciences
Classification: Likely pathogenic for MYL3-related condition. Last evaluated: 2025-10-30. Review status: criteria provided, single submitter. Criteria: ACMG Guidelines, 2015. Collection method: clinical testing. Allele origin: germline.
Comment: The MYL3 c.281G>A variant is predicted to result in the amino acid substitution p.Arg94His. This variant was reported in multiple individuals with hypertrophic cardiomyopathy (Fokstuen et al. 2008. PubMed ID: 18409188; Zou et al. 2013. PubMed ID: 23283745; Table S1B, Walsh et al. 2016. PubMed ID: 27532257; Teramoto et al. 2018. PubMed ID: 29398688; Table S4, Bourfiss et al. 2022. PubMed ID: 36264615; Table S10, McGurk et al. 2023. PubMed ID: 37652022). This variant is reported in 0.0029% of alleles in individuals of Latino descent in gnomAD. This variant is interpreted as likely pathogenic.

Labcorp Genetics (formerly Invitae), Labcorp
Classification: Pathogenic for Hypertrophic cardiomyopathy. Last evaluated: 2025-10-29. Review status: criteria provided, single submitter. Criteria: Invitae Variant Classification Sherloc (09022015). Collection method: clinical testing. Allele origin: germline.
Comment: This sequence change replaces arginine, which is basic and polar, with histidine, which is basic and polar, at codon 94 of the MYL3 protein (p.Arg94His). This variant is present in population databases (rs199474703, gnomAD 0.003%). This missense change has been observed in individuals with hypertrophic cardiomyopathy (PMID: 18409188, 23283745, 26443374, 27532257, 29398688). It has also been observed to segregate with disease in related individuals. ClinVar contains an entry for this variant (Variation ID: 31777). An algorithm developed to predict the effect of missense changes on protein structure and function (PolyPhen-2) suggests that this variant is likely to be tolerated. For these reasons, this variant has been classified as Pathogenic.

Color Diagnostics, LLC DBA Color Health
Classification: Likely pathogenic for Cardiomyopathy. Last evaluated: 2025-08-20. Review status: criteria provided, single submitter. Criteria: ACMG Guidelines, 2015. Collection method: clinical testing. Allele origin: germline.
Comment: This missense variant replaces arginine with histidine at codon 94 in the EF-hand domain of the MYL3 protein. Computational prediction is inconclusive regarding the impact of this variant on protein structure and function. To our knowledge, functional studies have not been reported for this variant. This variant has been reported in ten unrelated individuals affected with hypertrophic cardiomyopathy (PMID: 18409188, 23283745, 26443374, 27532257, 2938653, 29398688, 31554435, 35514357, ClinVar SCV000059672.6). It has been shown that this variant segregates with disease in two different families (PMID: 26443374). This variant has been identified in 2/251298 chromosomes in the general population by the Genome Aggregation Database (gnomAD). Based on the available evidence, this variant is classified as Likely Pathogenic.

Blueprint Genetics
Classification: Likely pathogenic for MYL3-related disorders. Last evaluated: 2024-10-17. Review status: criteria provided, single submitter. Criteria: ACMG Guidelines, 2015. Collection method: clinical testing. Allele origin: germline. Affected: yes. Observed: 3 variant alleles.

All of Us Research Program, National Institutes of Health
Classification: Likely pathogenic for Hypertrophic cardiomyopathy. Last evaluated: 2024-06-09. Review status: criteria provided, single submitter. Criteria: ACMG Guidelines, 2015. Collection method: clinical testing. Allele origin: germline. Inheritance: Autosomal dominant inheritance. Observed: 1 variant allele, 1 heterozygote.
Comment: This missense variant replaces arginine with histidine at codon 94 in the EF-hand domain of the MYL3 protein. Computational prediction is inconclusive regarding the impact of this variant on protein structure and function (internally defined REVEL score threshold 0.5 < inconclusive < 0.7, PMID: 27666373). To our knowledge, functional studies have not been reported for this variant. This variant has been reported in at least nine unrelated individuals affected with hypertrophic cardiomyopathy (PMID: 18409188, 23283745, 26443374, 27532257, 2938653, 29398688, 31554435, 35514357, ClinVar SCV000059672.6). It has been shown that this variant segregates with disease in three of the families (PMID: 26443374, ClinVar SCV000059672.6). Furthermore, one of the affected probands was found to be homozygous for a pathogenic variant in the TTR gene that could explain the clinical feature of cardiac amyloidosis observed in this individual (PMID: 31554435). This variant has been identified in 2/251298 chromosomes in the general population by the Genome Aggregation Database (gnomAD). Based on the available evidence, this variant is classified as Likely Pathogenic.

This study involves interpretation of variants in research participants for the purpose of population health screening. Participant phenotype was not available at the time of variant classification. Additional details can be found in publication PMID: 35346344, PMCID: PMC8962531

Laboratory for Molecular Medicine, Mass General Brigham Personalized Medicine
Classification: Likely pathogenic for Hypertrophic cardiomyopathy. Last evaluated: 2022-05-03. Review status: criteria provided, single submitter. Criteria: ACMG Guidelines, 2015. Collection method: clinical testing. Allele origin: germline.
Comment: The p.Arg94His variant in MYL3 has been reported in at least 9 individuals with hypertrophic cardiomyopathy (HCM) and segregated with disease in 10 affected individuals across these families (Fokstuen 2008 PMID: 19409188, Zou 2013 PMID: 23283745, Nomura 2016 PMID: 26443374, Walsh 2017 PMID: 27532257, Teramoto 2018 PMID: 29398688, LMM data). This variant has also been reported by other clinical laboratories in ClinVar (Variation ID 31777) and has been identified in 0.0009% (1/113678) of European and 0.0007% (1/134582) of Latino chromosomes by gnomAD. Computational prediction tools and conservation analyses do not provide strong support for or against an impact to the protein. In summary, although additional studies are required to fully establish its clinical significance, this variant meets criteria to be classified as likely pathogenic for autosomal dominant HCM. ACMG/AMP Criteria applied: PP1_Strong, PS4_Moderate, PM2_Supporting.

Women's Health and Genetics/Laboratory Corporation of America, LabCorp
Classification: Pathogenic for Primary familial hypertrophic cardiomyopathy. Last evaluated: 2021-01-26. Review status: criteria provided, single submitter. Criteria: LabCorp Variant Classification Summary - May 2015. Collection method: clinical testing. Allele origin: germline.
Comment: Variant summary: MYL3 c.281G>A (p.Arg94His) results in a non-conservative amino acid change in the encoded protein sequence. Three of five in-silico tools predict a damaging effect of the variant on protein function. The variant allele was found at a frequency of 8e-06 in 251298 control chromosomes. c.281G>A has been reported in the literature in multiple individuals affected with Hypertrophic Cardiomyopathy (e.g. Fokstuen_2008, Zou_2013, Walsh_2017). These data indicate that the variant is very likely to be associated with disease. Four clinical diagnostic laboratories have submitted clinical-significance assessments for this variant to ClinVar after 2014 without evidence for independent evaluation. All laboratories classified the variant as pathogenic/likely pathogenic. Based on the evidence outlined above, the variant was classified as pathogenic.

CHEO Genetics Diagnostic Laboratory, Children's Hospital of Eastern Ontario
Classification: Likely pathogenic for Cardiomyopathy. Last evaluated: 2017-01-23. Review status: criteria provided, single submitter. Criteria: ACMG Guidelines, 2015. Collection method: clinical testing. Allele origin: germline. Study: Canadian Open Genetics Repository.

Department of Cardiovascular and Internal Medicine, Kanazawa University Graduate School of Medicine
Classification: Pathogenic for Hypertrophic cardiomyopathy 8. Last evaluated: 2015-08-01. Review status: no assertion criteria provided. Collection method: research. Allele origin: germline. Affected: yes. Observed: 2 heterozygotes. Clinical features observed: Hypertrophic Cardiomyopathy. Segregation with disease observed. Not counted in ClinVar's aggregate classification.

Leiden Muscular Dystrophy (MYL3)
No classification provided. Last evaluated: 2012-03-18. Review status: no classification provided. Collection method: curation. Allele origin: germline. Not counted in ClinVar's aggregate classification.

Literature cited by the submitters: PubMed 18409188 (cited by 6 submitters); PubMed 23283745 (cited by 6 submitters); PubMed 26443374 (cited by 6 submitters); PubMed 27532257 (cited by 6 submitters); PubMed 31554435 (cited by 3 submitters); PubMed 29398688 (cited by 4 submitters); PubMed 2938653 (cited by Color Diagnostics, LLC DBA Color Health and All of Us Research Program, National Institutes of Health); PubMed 35514357 (cited by Color Diagnostics, LLC DBA Color Health and All of Us Research Program, National Institutes of Health).

NM_000258.3(MYL3):c.281G>A (p.Arg94His)

Gene: MYL3 (myosin light chain 3; minus strand). Cytogenetic location: 3p21.31.
Variant type: single nucleotide variant.
Coding change: c.281G>A on transcript NM_000258.3 (MANE Select); coding-DNA position 281, G replaced by A.
Protein change: p.Arg94His; replaces arginine 94 with histidine.
Molecular consequence: missense variant.
Genome position (GRCh38, 1-based): chr3:46,860,702, C>T on the plus strand (G>A on the coding strand, the complement: MYL3 is on the minus strand). VCF-style: chr3-46860702-C-T. GRCh37 (hg19) VCF-style: chr3-46902192-C-T.
Other names: p.R94H:CGT>CAT; short protein forms R94H.
Identifiers: ClinVar variation 31777 (VCV000031777.25), dbSNP rs199474703, ClinGen allele CA013722.